The following is an entry in ClinVar:

NM_002474.3(MYH11):c.129G>A (p.Gln43=)

Gene: MYH11 (myosin heavy chain 11; minus strand). Cytogenetic location: 16p13.11.
Variant type: single nucleotide variant.
Coding change: c.129G>A on transcript NM_002474.3 (MANE Select); coding-DNA position 129, G replaced by A.
Protein change: p.Gln43=; no amino-acid change (glutamine 43 retained).
Molecular consequence: synonymous variant.
Genome position (GRCh38, 1-based): chr16:15,838,124, C>T on the plus strand (G>A on the coding strand, the complement: MYH11 is on the minus strand). VCF-style: chr16-15838124-C-T. GRCh37 (hg19) VCF-style: chr16-15931981-C-T.
Other names: c.129G>A, p.Gln43= (NM_001040113.2, NM_001040114.2, NM_022844.3); c.129G>A (NM_002474.2).
Identifiers: ClinVar variation 2891961 (VCV002891961.6), dbSNP rs2507037983, ClinGen allele CA494102608.

ClinVar aggregate classification (germline): Likely benign. Review status: criteria provided, multiple submitters, no conflicts (2 of 4 stars). 4 submissions from 4 submitters: Likely benign (4). Last evaluated 2026-01-06.

Conditions:
Familial thoracic aortic aneurysm and aortic dissection (TAAD). Also called: Thoracic aortic aneurysms and dissections. Identifiers: Orphanet 91387, MedGen C4707243, MONDO:0019625.
Aortic aneurysm, familial thoracic 4 (AAT4). Also called: AORTIC ANEURYSM/AORTIC DISSECTION AND PATENT DUCTUS ARTERIOSUS. Identifiers: MedGen C1851504, MONDO:0007568, OMIM 132900.

Allele frequency attached by ClinVar (database versions not stated): gnomAD exomes below 0.00001.
gnomAD v4.1: 3 of 1,614,152 alleles (0.00019%); highest among the groups gnomAD compares: South Asian, 0.0011%; no homozygotes.

Submissions (4):

Ambry Genetics
Classification: Likely benign for Familial thoracic aortic aneurysm and aortic dissection. Last evaluated: 2026-01-06. Review status: criteria provided, single submitter. Criteria: Ambry Variant Classification Scheme 2023. Collection method: clinical testing. Allele origin: germline.

Labcorp Genetics (formerly Invitae), Labcorp
Classification: Likely benign for Aortic aneurysm, familial thoracic 4. Last evaluated: 2023-09-23. Review status: criteria provided, single submitter. Criteria: Invitae Variant Classification Sherloc (09022015). Collection method: clinical testing. Allele origin: germline.

All of Us Research Program, National Institutes of Health
Classification: Likely benign for Familial thoracic aortic aneurysm and aortic dissection. Last evaluated: 2023-08-15. Review status: criteria provided, single submitter. Criteria: ACMG Guidelines, 2015. Collection method: clinical testing. Allele origin: germline. Inheritance: Autosomal dominant inheritance. Observed: 1 variant allele, 1 heterozygote.
Comment: This study involves interpretation of variants in research participants for the purpose of population health screening. Participant phenotype was not available at the time of variant classification. Additional details can be found in publication PMID: 35346344, PMCID: PMC8962531

Color Diagnostics, LLC DBA Color Health
Classification: Likely benign for Familial thoracic aortic aneurysm and aortic dissection. Last evaluated: 2023-08-09. Review status: criteria provided, single submitter. Criteria: ACMG Guidelines, 2015. Collection method: clinical testing. Allele origin: germline.